The following is an entry in ClinVar:

ClinVar aggregate classification (germline): Benign/Likely benign. Review status: criteria provided, multiple submitters, no conflicts (2 of 4 stars). 9 submissions from 9 submitters: Benign (3); Likely benign (3). 3 of the submissions do not count toward it. Last evaluated 2026-02-04.

Conditions:
GNPTG-related disorder. Also called: GNPTG-related condition.
GNPTG-mucolipidosis. Also called: Mucolipidosis type III gamma; ML III GAMMA; ML IIIC; MUCOLIPIDOSIS III, COMPLEMENTATION GROUP C; MUCOLIPIDOSIS III, IRANIAN VARIANT FORM; MUCOLIPIDOSIS III, VARIANT FORM. Identifiers: Orphanet 423470, Orphanet 577, MedGen C1854896, MONDO:0009652, OMIM 252605.

Allele frequency attached by ClinVar (database versions not stated): 1000 Genomes Project 0.00220; 1000 Genomes Project 30x 0.00250; ExAC 0.00488; gnomAD 0.00583 and 0.00606; TOPMed 0.00619; ESP Exome Variant Server 0.00723.

Submissions (9):

Labcorp Genetics (formerly Invitae), Labcorp
Classification: Benign. Last evaluated: 2026-02-04. Review status: criteria provided, single submitter. Criteria: Invitae Variant Classification Sherloc (09022015). Collection method: clinical testing. Allele origin: germline.

CeGaT Center for Human Genetics Tuebingen
Classification: Benign. Last evaluated: 2026-01-01. Review status: criteria provided, single submitter. Criteria: CeGaT Center For Human Genetics Tuebingen Variant Classification Criteria Version 2. Collection method: clinical testing. Allele origin: germline. Affected: yes. Observed: 7 variant alleles.
Comment: GNPTG: BP4, BP7, BS1, BS2

Blueprint Genetics
Classification: Likely benign. Last evaluated: 2024-11-26. Review status: criteria provided, single submitter. Criteria: ACMG Guidelines, 2015. Collection method: clinical testing. Allele origin: germline.

Genome-Nilou Lab
Classification: Benign for GNPTG-mucolipidosis. Last evaluated: 2021-11-07. Review status: criteria provided, single submitter. Criteria: ACMG Guidelines, 2015. Collection method: clinical testing. Allele origin: germline. Affected: no.

GeneDx
Classification: Likely benign. Last evaluated: 2019-04-29. Review status: criteria provided, single submitter. Criteria: GeneDx Variant Classification Process June 2021. Collection method: clinical testing. Allele origin: germline. Affected: yes.

Illumina Laboratory Services, Illumina
Classification: Likely benign for GNPTG-mucolipidosis. Last evaluated: 2018-01-12. Review status: criteria provided, single submitter. Criteria: ICSL Variant Classification Criteria 13 December 2019. Collection method: clinical testing. Allele origin: germline.
Comment: This variant was observed in the ICSL laboratory as part of a predisposition screen in an ostensibly healthy population. It had not been previously curated by ICSL or reported in the Human Gene Mutation Database (HGMD: prior to June 1st, 2018), and was therefore a candidate for classification through an automated scoring system. Utilizing variant allele frequency, disease prevalence and penetrance estimates, and inheritance mode, an automated score was calculated to assess if this variant is too frequent to cause the disease. Based on the score and internal cut-off values, a variant classified as likely benign is not then subjected to further curation. The score for this variant resulted in a classification of likely benign for this disease.

Natera, Inc.
Classification: Benign for Mucolipidosis III gamma. Last evaluated: 2020-09-16. Review status: no assertion criteria provided. Collection method: clinical testing. Allele origin: germline. Not counted in ClinVar's aggregate classification.

PreventionGenetics, part of Exact Sciences
Classification: Benign for GNPTG-related condition. Last evaluated: 2019-11-15. Review status: no assertion criteria provided. Collection method: clinical testing. Allele origin: germline. Not counted in ClinVar's aggregate classification.
Comment: This variant is classified as benign based on ACMG/AMP sequence variant interpretation guidelines (Richards et al. 2015 PMID: 25741868, with internal and published modifications).

Mayo Clinic Laboratories, Mayo Clinic
Classification: Likely benign. Last evaluated: 2015-12-16. Review status: no assertion criteria provided. Collection method: clinical testing. Allele origin: unknown. Not counted in ClinVar's aggregate classification.

NM_032520.5(GNPTG):c.255G>A (p.Pro85=)

Gene: GNPTG (N-acetylglucosamine-1-phosphate transferase subunit gamma; plus strand). Cytogenetic location: 16p13.3.
Variant type: single nucleotide variant.
Coding change: c.255G>A on transcript NM_032520.5 (MANE Select); coding-DNA position 255, G replaced by A.
Protein change: p.Pro85=; no amino-acid change (proline 85 retained).
Molecular consequence: synonymous variant.
Genome position (GRCh38, 1-based): chr16:1,361,893, G>A. VCF-style: chr16-1361893-G-A. GRCh37 (hg19) VCF-style: chr16-1411894-G-A.
Identifiers: ClinVar variation 317881 (VCV000317881.68), dbSNP rs76594024, ClinGen allele CA7807571.
Genomic context (GRCh38, chr16:1,361,893, plus strand): 5'-GCAGCCTGCGGACCCCCCTCATGCCATCTGTGTCCCCAGGTACAAGTATGAGTTCTGCCC[G>A]TTCCACAACGTGACCCAGCACGAGCAGACCTTCCGCTGGAACGCCTACAGTGGGATCCTC-3'
Protein context (NP_115909.1, residues 75-95): VESTYKYEFC[Pro85=]FHNVTQHEQT